The following is an entry in ClinVar:

NM_001009944.3(PKD1):c.12648A>C (p.Gln4216His)

Gene: PKD1 (polycystin 1, transient receptor potential channel interacting; minus strand). Cytogenetic location: 16p13.3.
Variant type: single nucleotide variant.
Coding change: c.12648A>C on transcript NM_001009944.3 (MANE Select); coding-DNA position 12648, A replaced by C.
Protein change: p.Gln4216His; replaces glutamine 4216 with histidine.
Molecular consequence: missense variant.
Genome position (GRCh38, 1-based): chr16:2,089,991, T>G on the plus strand (A>C on the coding strand, the complement: PKD1 is on the minus strand). VCF-style: chr16-2089991-T-G. GRCh37 (hg19) VCF-style: chr16-2139992-T-G.
Other names: c.12645A>C, p.Gln4215His (NM_000296.4); short protein forms Q4215H, Q4216H.
Identifiers: ClinVar variation 3025568 (VCV003025568.24), dbSNP rs751511886, ClinGen allele CA7828514.

ClinVar aggregate classification (germline): Conflicting classifications of pathogenicity. Review status: criteria provided, conflicting classifications (1 of 4 stars). 3 submissions from 3 submitters: Uncertain significance (2); Likely benign (1). Last evaluated 2025-03-14.

Conditions:
PKD1-related disorder. Also called: PKD1-related condition.
Polycystic kidney disease, adult type (PKD1). Also called: Polycystic Kidney Disease 1, Autosomal Dominant; Polycystic kidney disease 1; Polycystic kidney disease 1, severe; Polycystic Kidney, Autosomal Dominant; POLYCYSTIC KIDNEY DISEASE 1 WITH OR WITHOUT POLYCYSTIC LIVER DISEASE; POLYCYSTIC KIDNEY DISEASE, ADULT, TYPE I. Identifiers: MedGen C3149841, MONDO:0008263, OMIM 173900.

Allele frequency attached by ClinVar (database versions not stated): TOPMed 0.00003; ExAC 0.00005; gnomAD 0.00009; gnomAD exomes 0.00010.
gnomAD v4.1: 151 of 1,611,308 alleles (0.0094%); highest among the groups gnomAD compares: Non-Finnish European, 0.01%; no homozygotes.

Submissions (3):

PreventionGenetics, part of Exact Sciences
Classification: Likely benign for PKD1-related condition. Last evaluated: 2025-03-14. Review status: criteria provided, single submitter. Criteria: ACMG Guidelines, 2015. Collection method: clinical testing. Allele origin: germline.
Comment: This variant is classified as likely benign based on ACMG/AMP sequence variant interpretation guidelines (Richards et al. 2015 PMID: 25741868, with internal and published modifications).

Fulgent Genetics
Classification: Uncertain significance for Polycystic kidney disease, adult type. Last evaluated: 2024-05-28. Review status: criteria provided, single submitter. Criteria: ACMG Guidelines, 2015. Collection method: clinical testing. Allele origin: germline.

CeGaT Center for Human Genetics Tuebingen
Classification: Uncertain significance. Last evaluated: 2024-01-01. Review status: criteria provided, single submitter. Criteria: CeGaT Center For Human Genetics Tuebingen Variant Classification Criteria Version 2. Collection method: clinical testing. Allele origin: germline. Affected: yes. Observed: 1 variant allele.
Comment: PKD1: PS4:Supporting, BP4